The following is an entry in ClinVar:

NM_014014.5(SNRNP200):c.4796C>T (p.Pro1599Leu)

Gene: SNRNP200 (small nuclear ribonucleoprotein U5 subunit 200; minus strand). Cytogenetic location: 2q11.2.
Variant type: single nucleotide variant.
Coding change: c.4796C>T on transcript NM_014014.5 (MANE Select); coding-DNA position 4796, C replaced by T.
Protein change: p.Pro1599Leu; replaces proline 1599 with leucine.
Molecular consequence: missense variant.
Genome position (GRCh38, 1-based): chr2:96,283,320, G>A on the plus strand (C>T on the coding strand, the complement: SNRNP200 is on the minus strand). VCF-style: chr2-96283320-G-A. GRCh37 (hg19) VCF-style: chr2-96949058-G-A.
Other names: short protein forms P1599L.
Identifiers: ClinVar variation 867015 (VCV000867015.9), dbSNP rs762545526, ClinGen allele CA52391127.

ClinVar aggregate classification (germline): Conflicting classifications of pathogenicity. Review status: criteria provided, conflicting classifications (1 of 4 stars). 3 submissions from 3 submitters: Uncertain significance (2); Likely benign (1). Last evaluated 2026-07-08.

Conditions:
SNRNP200-related disorder. Also called: SNRNP200-related condition.

Allele frequency attached by ClinVar (database versions not stated): gnomAD 0.00001; TOPMed 0.00001; gnomAD exomes 0.00002 and 0.00005.
gnomAD v4.1: 69 of 1,613,998 alleles (0.0043%); highest among the groups gnomAD compares: Non-Finnish European, 0.0051%; no homozygotes.

Submissions (3):

PreventionGenetics, part of Exact Sciences
Classification: Uncertain significance for SNRNP200-related condition. Last evaluated: 2026-07-08. Review status: criteria provided, single submitter. Criteria: ACMG Guidelines, 2015. Collection method: clinical testing. Allele origin: germline.
Comment: The SNRNP200 c.4796C>T variant is predicted to result in the amino acid substitution p.Pro1599Leu. To our knowledge, this variant has not been reported in the literature. This variant is present in 0.0050% of alleles in individuals of East Asian descent in gnomAD. At this time, the clinical significance of this variant is uncertain due to the absence of conclusive functional and genetic evidence.

Labcorp Genetics (formerly Invitae), Labcorp
Classification: Likely benign. Last evaluated: 2024-10-28. Review status: criteria provided, single submitter. Criteria: Invitae Variant Classification Sherloc (09022015). Collection method: clinical testing. Allele origin: germline.

Blueprint Genetics
Classification: Uncertain significance. Last evaluated: 2021-04-01. Review status: criteria provided, single submitter. Criteria: ACMG Guidelines, 2015. Collection method: clinical testing. Allele origin: germline.